The following is an entry in ClinVar:

NM_001376.5(DYNC1H1):c.9049-5C>T

Genes: DYNC1H1 (dynein cytoplasmic 1 heavy chain 1; plus strand), LOC126862060 (BRD4-independent group 4 enhancer GRCh37_chr14:102493659-102494858; plus strand). Cytogenetic location: 14q32.31.
Variant type: single nucleotide variant.
Coding change: c.9049-5C>T on transcript NM_001376.5 (MANE Select); 5 bases into the intron before coding-DNA position 9049, C replaced by T.
Molecular consequence: intron variant.
Genome position (GRCh38, 1-based): chr14:102,027,614, C>T. VCF-style: chr14-102027614-C-T. GRCh37 (hg19) VCF-style: chr14-102493951-C-T.
Identifiers: ClinVar variation 507337 (VCV000507337.1), dbSNP rs1555410928, ClinGen allele CA658798273.
Genomic context (GRCh38, chr14:102,027,614, plus strand): 5'-TGACGTGTTGCGTTGCATTACGTGTTACCGGGGGACCAGTAAGTCAGCACTGTGCTGTTT[C>T]CCAGGTGCCTGGTCTCTTTGAAGGAGACGAGTATGCCACCTTGATGACGCAGTGCAAAGA-3'

ClinVar aggregate classification (germline): Likely benign (1 of 4 stars; one submission).

Submission:

GeneDx
Classification: Likely benign. Last evaluated: 2017-02-13. Review status: criteria provided, single submitter. Criteria: GeneDx Variant Classification (06012015). Collection method: clinical testing. Allele origin: germline. Affected: yes.
Comment: This variant is considered likely benign or benign based on one or more of the following criteria: it is a conservative change, it occurs at a poorly conserved position in the protein, it is predicted to be benign by multiple in silico algorithms, and/or has population frequency not consistent with disease.